The following is an entry in ClinVar:

NM_002529.4(NTRK1):c.1A>C (p.Met1Leu)

Genes: NTRK1 (neurotrophic receptor tyrosine kinase 1; plus strand), LOC129931648 (ATAC-STARR-seq lymphoblastoid silent region 1440; plus strand). Cytogenetic location: 1q23.1.
Variant type: single nucleotide variant.
Coding change: c.1A>C on transcript NM_002529.4 (MANE Select); coding-DNA position 1, A replaced by C.
Protein change: p.Met1Leu; changes the start codon (methionine 1).
Molecular consequence: missense variant, initiator codon variant. On other transcripts: intron variant (1).
Genome position (GRCh38, 1-based): chr1:156,860,935, A>C. VCF-style: chr1-156860935-A-C. GRCh37 (hg19) VCF-style: chr1-156830727-A-C.
Other names: c.1A>C, p.Met1Leu (NM_001012331.2); c.123-3419A>C (NM_001007792.1); short protein forms M1L.
Identifiers: ClinVar variation 931321 (VCV000931321.4), dbSNP rs1655612629, ClinGen allele CA342928796.

ClinVar aggregate classification (germline): Pathogenic (1 of 4 stars; one submission).

Conditions:
Hereditary insensitivity to pain with anhidrosis (CIPA). Also called: FAMILIAL DYSAUTONOMIA, TYPE II; hereditary sensory and autonomic neuropathy type 4; HSAN Type IV; NTRK1 Congenital Insensitivity to Pain with Anhidrosis; NEUROPATHY, CONGENITAL SENSORY, WITH ANHIDROSIS; INSENSITIVITY TO PAIN, CONGENITAL, WITH ANHIDROSIS. Identifiers: Orphanet 642, MedGen C0020074, MONDO:0009746, OMIM 256800.

Submission:

Centre for Mendelian Genomics, University Medical Centre Ljubljana
Classification: Pathogenic for Hereditary insensitivity to pain with anhidrosis. Last evaluated: 2018-11-28. Review status: criteria provided, single submitter. Criteria: ACMG Guidelines, 2015. Collection method: clinical testing. Allele origin: unknown. Affected: yes.
Comment: This variant was classified as: Pathogenic. The following ACMG criteria were applied in classifying this variant: PVS1,PM2,PP3.